The following is an entry in ClinVar:

ClinVar aggregate classification (germline): Uncertain significance (1 of 4 stars; one submission).

gnomAD v4.1: 5 of 1,613,992 alleles (0.00031%); highest among the groups gnomAD compares: Middle Eastern, 0.033%; no homozygotes.

Submission:

Labcorp Genetics (formerly Invitae), Labcorp
Classification: Uncertain significance. Last evaluated: 2024-01-23. Review status: criteria provided, single submitter. Criteria: Invitae Variant Classification Sherloc (09022015). Collection method: clinical testing. Allele origin: germline.
Comment: This sequence change replaces proline, which is neutral and non-polar, with arginine, which is basic and polar, at codon 379 of the ARHGEF10 protein (p.Pro379Arg). This variant is not present in population databases (gnomAD no frequency). This variant has not been reported in the literature in individuals affected with ARHGEF10-related conditions. Advanced modeling of protein sequence and biophysical properties (such as structural, functional, and spatial information, amino acid conservation, physicochemical variation, residue mobility, and thermodynamic stability) has been performed at Invitae for this missense variant, however the output from this modeling did not meet the statistical confidence thresholds required to predict the impact of this variant on ARHGEF10 protein function. In summary, the available evidence is currently insufficient to determine the role of this variant in disease. Therefore, it has been classified as a Variant of Uncertain Significance.

NM_014629.4(ARHGEF10):c.1136C>G (p.Pro379Arg)

Gene: ARHGEF10 (Rho guanine nucleotide exchange factor 10; plus strand). Cytogenetic location: 8p23.3.
Variant type: single nucleotide variant.
Coding change: c.1136C>G on transcript NM_014629.4 (MANE Select); coding-DNA position 1136, C replaced by G.
Protein change: p.Pro379Arg; replaces proline 379 with arginine.
Molecular consequence: missense variant.
Genome position (GRCh38, 1-based): chr8:1,885,661, C>G. VCF-style: chr8-1885661-C-G. GRCh37 (hg19) VCF-style: chr8-1833827-C-G.
Other names: c.1022C>G, p.Pro341Arg (NM_001308152.2); c.1139C>G, p.Pro380Arg (NM_001308153.3); short protein forms P379R, P404R, P341R, P380R.
Identifiers: ClinVar variation 2962503 (VCV002962503.3), dbSNP rs369967335, ClinGen allele CA170595481.